The following is an entry in ClinVar:

ClinVar aggregate classification (germline): Likely pathogenic. Review status: criteria provided, single submitter (1 of 4 stars). 2 submissions from 2 submitters: Likely pathogenic (1). 1 of the submissions does not count toward it. Last evaluated 2024-10-18.

Conditions:
PI4K2A-related condition.
Neurodevelopmental disorder with hyperkinetic movements, seizures, and structural brain abnormalities. Identifiers: MedGen C5935585, MONDO:0958240, OMIM 620732.

Allele frequency attached by ClinVar (database versions not stated): TOPMed below 0.00001.
gnomAD v4.1: 3 of 1,602,788 alleles (0.00019%); highest among the groups gnomAD compares: African/African-American, 0.0013%; no homozygotes.

Submissions (2):

PreventionGenetics, part of Exact Sciences
Classification: Likely pathogenic for PI4K2A-related condition. Last evaluated: 2024-10-18. Review status: criteria provided, single submitter. Criteria: ACMG Guidelines, 2015. Collection method: clinical testing. Allele origin: germline.
Comment: The PI4K2A c.925C>T variant is predicted to result in premature protein termination (p.Arg309*). This variant was reported in the homozygous state in two unrelated individuals with developmental and epileptic-dyskinetic encephalopathy (Dafsari et al. 2022. PubMed ID: 35880319). This variant is reported in 0.00088% of alleles in individuals of European (non-Finnish) descent in gnomAD. Nonsense variants in PI4K2A are expected to be pathogenic. This variant is interpreted as likely pathogenic.

OMIM
Classification: Pathogenic for NEURODEVELOPMENTAL DISORDER WITH HYPERKINETIC MOVEMENTS, SEIZURES, AND STRUCTURAL BRAIN ABNORMALITIES. Last evaluated: 2024-02-29. Review status: no assertion criteria provided. Collection method: literature only. Allele origin: germline. Not counted in ClinVar's aggregate classification.

Literature cited by the submitters: PubMed 35880319 (cited by OMIM); Hamosh, A. Personal Communication. 2024. Baltimore, Md. (cited by OMIM).

NM_018425.4(PI4K2A):c.925C>T (p.Arg309Ter)

Gene: PI4K2A (phosphatidylinositol 4-kinase type 2 alpha; plus strand). Cytogenetic location: 10q24.2.
Variant type: single nucleotide variant.
Coding change: c.925C>T on transcript NM_018425.4 (MANE Select); coding-DNA position 925, C replaced by T.
Protein change: p.Arg309Ter; replaces arginine 309 with a stop codon.
Molecular consequence: nonsense.
Genome position (GRCh38, 1-based): chr10:97,662,909, C>T. VCF-style: chr10-97662909-C-T. GRCh37 (hg19) VCF-style: chr10-99422666-C-T.
Other names: c.925C>T (NM_018425.3); short protein forms R309*.
Identifiers: ClinVar variation 3024432 (VCV003024432.3), dbSNP rs766055659, ClinGen allele CA377987326.
Genomic context (GRCh38, chr10:97,662,909, plus strand): 5'-TTACAAAAATGGAAAATCATCCCCCCTTTTTCTGCTAACTTTATATTTCTGTTCACAGAT[C>T]GAGGCAATGACAACTGGCTGATTAAATATGACTGTCCAATGGATAGTTCTAGCTCTCGGG-3'